The following is an entry in ClinVar:

NM_000218.3(KCNQ1):c.1033-2A>G

Gene: KCNQ1 (potassium voltage-gated channel subfamily Q member 1; plus strand). Cytogenetic location: 11p15.5.
Variant type: single nucleotide variant.
Coding change: c.1033-2A>G on transcript NM_000218.3 (MANE Select); the canonical splice acceptor site of the intron before coding-DNA position 1033, A replaced by G.
Molecular consequence: splice acceptor variant. On other transcripts: intron variant (2).
Genome position (GRCh38, 1-based): chr11:2,585,210, A>G. VCF-style: chr11-2585210-A-G. GRCh37 (hg19) VCF-style: chr11-2606440-A-G.
Other names: NC_000011.9:g.2606440A>G; c.1032+1665A>G (NM_001406836.1); c.588+1665A>G (NM_001406838.1); c.652-2A>G (NM_181798.2); c.763-2A>G (NM_001406837.1).
Identifiers: ClinVar variation 200836 (VCV000200836.6), dbSNP rs794728523, ClinGen allele CA005029.

ClinVar aggregate classification (germline): Conflicting classifications of pathogenicity. Review status: criteria provided, conflicting classifications (1 of 4 stars). 2 submissions from 2 submitters: Pathogenic (1); Uncertain significance (1). Last evaluated 2020-02-10.

Submissions (3):

Laboratory for Molecular Medicine, Mass General Brigham Personalized Medicine
Classification: Uncertain significance. Last evaluated: 2020-02-10. Review status: criteria provided, single submitter. Criteria: ACMG Guidelines, 2015. Collection method: clinical testing. Allele origin: germline.
Comment: The c.1033-2A>G variant in KCNQ1 has not been previously reported in individuals with long QT syndrome or in large population studies. This variant occurs within the canonical splice site (+/- 1,2) and is predicted to cause altered splicing leading to an abnormal or absent protein. Another variant at this splice site affecting the -1 position has been reported in an individual with long QT syndrome (Stattin 2012). In summary, while there is some suspicion for a pathogenic role, the clinical significance of the c.1033-2A>G variant is uncertain. ACMG/AMP Criteria applied: PVS1_Moderate, PM2.

GeneDx
Classification: Pathogenic. Last evaluated: 2015-11-25. Review status: criteria provided, single submitter. Criteria: GeneDx Variant Classification (06012015). Collection method: clinical testing. Allele origin: germline. Affected: yes.
Comment: The c.1033-2 A>G mutation in the KCNQ1 gene has been reported previously in association with LQTS, and it has been noted to be a founder mutation in the Finnish population (Fostad H et al., 2004; Marjamaa A et al., 2009). This mutation destroys the canonical splice acceptor site in intron 7 and is expected to cause abnormal gene splicing. This may lead to loss of protein function due to protein truncation or absence of protein from this allele due to mRNA decay. Other splice site mutations in the KCNQ1 gene have been reported in association with LQTS. In summary, c.1033-2 A>G in the KCNQ1 gene is interpreted as a disease-causing mutation. The variant is found in LQT panel(s).

Dr. Peter K. Rogan Lab, Western University
No classification provided (evidence only). Condition: Nonpapillary renal cell carcinoma. Review status: no classification provided. Collection method: in vitro. Allele origin: not applicable. Functional consequence: retained intron. Not counted in ClinVar's aggregate classification.

Literature cited by the submitters: PubMed 23098067 (cited by Laboratory for Molecular Medicine, Mass General Brigham Personalized Medicine).